The following is an entry in ClinVar:

NM_000424.4(KRT5):c.986A>G (p.Asn329Ser)

Gene: KRT5 (keratin 5; minus strand). Cytogenetic location: 12q13.13.
Variant type: single nucleotide variant.
Coding change: c.986A>G on transcript NM_000424.4 (MANE Select); coding-DNA position 986, A replaced by G.
Protein change: p.Asn329Ser; replaces asparagine 329 with serine.
Molecular consequence: missense variant.
Genome position (GRCh38, 1-based): chr12:52,517,696, T>C on the plus strand (A>G on the coding strand, the complement: KRT5 is on the minus strand). VCF-style: chr12-52517696-T-C. GRCh37 (hg19) VCF-style: chr12-52911480-T-C.
Other names: short protein forms N329S.
Identifiers: ClinVar variation 66295 (VCV000066295.4), dbSNP rs59184265, ClinGen allele CA216808.

ClinVar aggregate classification (germline): Conflicting classifications of pathogenicity. Review status: criteria provided, conflicting classifications (1 of 4 stars). 3 submissions from 3 submitters: Likely pathogenic (1); Uncertain significance (1). 1 of the submissions does not count toward it. Last evaluated 2024-06-16.

Conditions:
Epidermolysis bullosa simplex. Also called: Epidermolysis bullosa simplex, Weber-Cockayne type (subtype); Epidermolysis bullosa simplex, Dowling-Meara type (subtype); Epidermolysis bullosa simplex with mottled pigmentation (subtype). Identifiers: Orphanet 304, MedGen C0079298, MONDO:0017610.

Submissions (3):

Labcorp Genetics (formerly Invitae), Labcorp
Classification: Likely pathogenic. Last evaluated: 2024-06-16. Review status: criteria provided, single submitter. Criteria: Invitae Variant Classification Sherloc (09022015). Collection method: clinical testing. Allele origin: germline.
Comment: This sequence change replaces asparagine, which is neutral and polar, with serine, which is neutral and polar, at codon 329 of the KRT5 protein (p.Asn329Ser). This variant is not present in population databases (gnomAD no frequency). This missense change has been observed in individual(s) with autosomal dominant epidermolysis bullosa simplex (PMID: 17039244; Invitae). ClinVar contains an entry for this variant (Variation ID: 66295). Advanced modeling of protein sequence and biophysical properties (such as structural, functional, and spatial information, amino acid conservation, physicochemical variation, residue mobility, and thermodynamic stability) has been performed at Invitae for this missense variant, however the output from this modeling did not meet the statistical confidence thresholds required to predict the impact of this variant on KRT5 protein function. This variant disrupts the p.Asn329 amino acid residue in KRT5. Other variant(s) that disrupt this residue have been determined to be pathogenic (PMID: 7520042). This suggests that this residue is clinically significant, and that variants that disrupt this residue are likely to be disease-causing. In summary, the currently available evidence indicates that the variant is pathogenic, but additional data are needed to prove that conclusively. Therefore, this variant has been classified as Likely Pathogenic.

Molecular Genetics, Royal Melbourne Hospital
Classification: Uncertain significance for Epidermolysis bullosa simplex. Last evaluated: 2024-01-05. Review status: criteria provided, single submitter. Criteria: ACMG Guidelines, 2015. Collection method: clinical testing. Allele origin: germline. Inheritance: Autosomal dominant inheritance. Affected: yes.
Comment: This sequence change in KRT5 is predicted to replace asparagine with serine at codon 329, p.(Asn329Ser). The asparagine residue is highly conserved (100 vertebrates, Multiz Alignments), and is located in the nonhelical linker segment L1-2 of the IF rod domain. There is a small physicochemical difference between asparagine and serine. This variant is absent from the population database gnomAD v4.0. This variant has been reported in at least two probands with a clinical diagnosis of epidermolysis bullosa simplex (EBS) and has been reported to segregate with disease in one affected family member from a single family (PMID: 17039244; Royal Melbourne Hospital). Computational evidence predicts a deleterious effect for the missense substitution (REVEL = 0.67). Another missense variant c.987C>A, p.(Asn329Lys) in the same codon with a larger physicochemical difference has been reported in a family with EBS (PMID: 7520042). Based on the classification scheme RMH Modified ACMG/AMP Guidelines v1.6.1, this variant is classified as a VARIANT OF UNCERTAIN SIGNIFICANCE. Following criteria are met: PS4_Moderate, PM2_Supporting, PP3.

Epithelial Biology;  Institute of Medical Biology, Singapore
No classification provided. Review status: no classification provided. Collection method: not provided. Allele origin: not provided. Not counted in ClinVar's aggregate classification.

Literature cited by the submitters: PubMed 17039244 (cited by Labcorp Genetics (formerly Invitae), Labcorp and Molecular Genetics, Royal Melbourne Hospital); PubMed 7520042 (cited by Labcorp Genetics (formerly Invitae), Labcorp and Molecular Genetics, Royal Melbourne Hospital).